The following is an entry in ClinVar:

NM_003482.4(KMT2D):c.800G>A (p.Gly267Asp)

Gene: KMT2D (lysine methyltransferase 2D; minus strand). Cytogenetic location: 12q13.12.
Variant type: single nucleotide variant.
Coding change: c.800G>A on transcript NM_003482.4 (MANE Select); coding-DNA position 800, G replaced by A.
Protein change: p.Gly267Asp; replaces glycine 267 with aspartic acid.
Molecular consequence: missense variant.
Genome position (GRCh38, 1-based): chr12:49,053,515, C>T on the plus strand (G>A on the coding strand, the complement: KMT2D is on the minus strand). VCF-style: chr12-49053515-C-T. GRCh37 (hg19) VCF-style: chr12-49447298-C-T.
Other names: short protein forms G267D.
Identifiers: ClinVar variation 3053285 (VCV003053285.4), dbSNP rs1938212607, ClinGen allele CA384680886.

ClinVar aggregate classification (germline): Uncertain significance. Review status: criteria provided, single submitter (1 of 4 stars). 2 submissions from 2 submitters: Uncertain significance (1). 1 of the submissions does not count toward it. Last evaluated 2024-05-16.

Conditions:
KMT2D-related disorder. Also called: KMT2D-Related Disorders.
Kabuki syndrome. Also called: NIIKAWA-KUROKI SYNDROME; Kabuki make-up syndrome. Identifiers: Orphanet 2322, MedGen C0796004, MONDO:0016512.

Allele frequency attached by ClinVar (database versions not stated): gnomAD exomes below 0.00001; TOPMed below 0.00001.
gnomAD v4.1: 3 of 1,607,968 alleles (0.00019%); highest among the groups gnomAD compares: Middle Eastern, 0.017%; no homozygotes.

Submissions (2):

Labcorp Genetics (formerly Invitae), Labcorp
Classification: Uncertain significance for Kabuki syndrome. Last evaluated: 2024-05-16. Review status: criteria provided, single submitter. Criteria: Invitae Variant Classification Sherloc (09022015). Collection method: clinical testing. Allele origin: germline.
Comment: This sequence change replaces glycine, which is neutral and non-polar, with aspartic acid, which is acidic and polar, at codon 267 of the KMT2D protein (p.Gly267Asp). This variant is not present in population databases (gnomAD no frequency). This variant has not been reported in the literature in individuals affected with KMT2D-related conditions. Advanced modeling of protein sequence and biophysical properties (such as structural, functional, and spatial information, amino acid conservation, physicochemical variation, residue mobility, and thermodynamic stability) performed at Invitae indicates that this missense variant is not expected to disrupt KMT2D protein function with a negative predictive value of 95%. In summary, the available evidence is currently insufficient to determine the role of this variant in disease. Therefore, it has been classified as a Variant of Uncertain Significance.

PreventionGenetics, part of Exact Sciences
Classification: Uncertain significance for KMT2D-related condition. Last evaluated: 2023-11-14. Review status: no assertion criteria provided. Collection method: clinical testing. Allele origin: germline. Not counted in ClinVar's aggregate classification.
Comment: The KMT2D c.800G>A variant is predicted to result in the amino acid substitution p.Gly267Asp. To our knowledge, this variant has not been reported in the literature or in a large population database, indicating this variant is rare. At this time, the clinical significance of this variant is uncertain due to the absence of conclusive functional and genetic evidence.